The following is an entry in ClinVar:

NM_004260.4(RECQL4):c.440C>T (p.Pro147Leu)

Gene: RECQL4 (RecQ like helicase 4; minus strand). Cytogenetic location: 8q24.3.
Variant type: single nucleotide variant.
Coding change: c.440C>T on transcript NM_004260.4 (MANE Select); coding-DNA position 440, C replaced by T.
Protein change: p.Pro147Leu; replaces proline 147 with leucine.
Molecular consequence: missense variant.
Genome position (GRCh38, 1-based): chr8:144,516,679, G>A on the plus strand (C>T on the coding strand, the complement: RECQL4 is on the minus strand). VCF-style: chr8-144516679-G-A. GRCh37 (hg19) VCF-style: chr8-145742063-G-A.
Other names: short protein forms P147L.
Identifiers: ClinVar variation 644570 (VCV000644570.8), dbSNP rs759034699, ClinGen allele CA4949293.

ClinVar aggregate classification (germline): Uncertain significance. Review status: criteria provided, multiple submitters, no conflicts (2 of 4 stars). 2 submissions from 2 submitters: Uncertain significance (2). Last evaluated 2026-01-19.

Conditions:
Inborn genetic diseases. Identifiers: MedGen C0950123, MeSH D030342.
Baller-Gerold syndrome (BGS). Also called: CRANIOSYNOSTOSIS WITH RADIAL DEFECTS. Identifiers: Orphanet 1225, MedGen C0265308, MONDO:0009039, OMIM 218600.

Allele frequency attached by ClinVar (database versions not stated): ExAC below 0.00001; gnomAD exomes 0.00001; TOPMed 0.00001.
gnomAD v4.1: 8 of 1,579,862 alleles (0.00051%); highest among the groups gnomAD compares: East Asian, 0.0045%; no homozygotes.

Submissions (2):

Labcorp Genetics (formerly Invitae), Labcorp
Classification: Uncertain significance for Baller-Gerold syndrome. Last evaluated: 2026-01-19. Review status: criteria provided, single submitter. Criteria: Invitae Variant Classification Sherloc (09022015). Collection method: clinical testing. Allele origin: germline.
Comment: This sequence change replaces proline, which is neutral and non-polar, with leucine, which is neutral and non-polar, at codon 147 of the RECQL4 protein (p.Pro147Leu). This variant is present in population databases (rs759034699, gnomAD 0.008%). This variant has not been reported in the literature in individuals affected with RECQL4-related conditions. ClinVar contains an entry for this variant (Variation ID: 644570). Invitae Evidence Modeling of protein sequence and biophysical properties (such as structural, functional, and spatial information, amino acid conservation, physicochemical variation, residue mobility, and thermodynamic stability) indicates that this missense variant is not expected to disrupt RECQL4 protein function with a negative predictive value of 80%. In summary, the available evidence is currently insufficient to determine the role of this variant in disease. Therefore, it has been classified as a Variant of Uncertain Significance.

Ambry Genetics
Classification: Uncertain significance for Inborn genetic diseases. Last evaluated: 2024-12-07. Review status: criteria provided, single submitter. Criteria: Ambry Variant Classification Scheme 2023. Collection method: clinical testing. Allele origin: germline.
Comment: The p.P147L variant (also known as c.440C>T), located in coding exon 5 of the RECQL4 gene, results from a C to T substitution at nucleotide position 440. The proline at codon 147 is replaced by leucine, an amino acid with similar properties. This amino acid position is conserved. In addition, this alteration is predicted to be tolerated by in silico analysis. Based on the available evidence, the clinical significance of this variant remains unclear.